The following is an entry in ClinVar:

ClinVar aggregate classification (germline): Uncertain significance. Review status: criteria provided, multiple submitters, no conflicts (2 of 4 stars). 2 submissions from 2 submitters: Uncertain significance (2). Last evaluated 2025-08-22.

Conditions:
Emery-Dreifuss muscular dystrophy 5, autosomal dominant (EDMD5). Also called: EMERY-DREIFUSS MUSCULAR DYSTROPHY 5. Identifiers: Orphanet 261, MedGen C2751805, MONDO:0013072, OMIM 612999.

gnomAD v4.1: 3 of 1,614,188 alleles (0.00019%); highest among the groups gnomAD compares: Non-Finnish European, 0.00025%; no homozygotes.

Submissions (2):

Ambry Genetics
Classification: Uncertain significance. Last evaluated: 2025-08-22. Review status: criteria provided, single submitter. Criteria: Ambry Variant Classification Scheme 2023. Collection method: clinical testing. Allele origin: germline.

Labcorp Genetics (formerly Invitae), Labcorp
Classification: Uncertain significance for Emery-Dreifuss muscular dystrophy 5, autosomal dominant. Last evaluated: 2023-10-05. Review status: criteria provided, single submitter. Criteria: Invitae Variant Classification Sherloc (09022015). Collection method: clinical testing. Allele origin: germline.
Comment: This sequence change replaces histidine, which is basic and polar, with tyrosine, which is neutral and polar, at codon 5473 of the SYNE2 protein (p.His5473Tyr). This variant is not present in population databases (gnomAD no frequency). This variant has not been reported in the literature in individuals affected with SYNE2-related conditions. Algorithms developed to predict the effect of missense changes on protein structure and function output the following: SIFT: "Not Available"; PolyPhen-2: "Benign"; Align-GVGD: "Not Available". The tyrosine amino acid residue is found in multiple mammalian species, which suggests that this missense change does not adversely affect protein function. In summary, the available evidence is currently insufficient to determine the role of this variant in disease. Therefore, it has been classified as a Variant of Uncertain Significance.

NM_182914.3(SYNE2):c.16417C>T (p.His5473Tyr)

Gene: SYNE2 (spectrin repeat containing nuclear envelope protein 2; plus strand). Cytogenetic location: 14q23.2.
Variant type: single nucleotide variant.
Coding change: c.16417C>T on transcript NM_182914.3 (MANE Select); coding-DNA position 16417, C replaced by T.
Protein change: p.His5473Tyr; replaces histidine 5473 with tyrosine.
Molecular consequence: missense variant.
Genome position (GRCh38, 1-based): chr14:64,163,519, C>T. VCF-style: chr14-64163519-C-T. GRCh37 (hg19) VCF-style: chr14-64630237-C-T.
Other names: c.16417C>T, p.His5473Tyr (NM_015180.6); c.16417C>T (NM_182914.2); short protein forms H5473Y.
Identifiers: ClinVar variation 2765735 (VCV002765735.4), dbSNP rs1169333291, ClinGen allele CA389960363.
Genomic context (GRCh38, chr14:64,163,519, plus strand): 5'-CTGGATCGACTCCCACAACCCGCAGAGTCCAGCACCCACATGCTCCTCCCGGGCCCCCTG[C>T]ACTCTCTCCAGAGGGCTGCTTATTTGGAAAAGATGCTGCTTGTGAAAGCAAATGAATTTG-3'
Protein context (NP_878918.2, residues 5463-5483): STHMLLPGPL[His5473Tyr]SLQRAAYLEK